The following is an entry in ClinVar:

NM_004380.3(CREBBP):c.6636GCA[7] (p.Gln2216_Gly2217insGlnGlnGln)

Gene: CREBBP (CREB binding lysine acetyltransferase; minus strand). Cytogenetic location: 16p13.3.
Variant type: Microsatellite.
Coding change: c.6636GCA[7] on transcript NM_004380.3 (MANE Select); seven copies in a row of the 3-base unit GCA starting at c.6636; the reference has four copies in a row; three copies, 9 bases duplicated.
Protein change: p.Gln2216_Gly2217insGlnGlnGln.
Molecular consequence: inframe insertion.
Genome position (GRCh38, 1-based): chr16:3,728,400-3,728,408, TGCTGCTGC duplicated on the plus strand (GCAGCAGCA on the coding strand, the reverse complement: CREBBP is on the minus strand); duplicating any 9 consecutive bases within chr16:3,728,400-3,728,413 gives the same sequence; the position shown is the placement nearest the transcript's 3' end. VCF-style (leftmost placement, unchanged base first): chr16-3728399-T-TTGCTGCTGC. GRCh37 (hg19) VCF-style: chr16-3778400-T-TTGCTGCTGC.
Other names: c.6522GCA[7], p.Gln2178_Gly2179insGlnGlnGln (NM_001079846.1).
Identifiers: ClinVar variation 3350004 (VCV003350004.1).

ClinVar aggregate classification (germline): Uncertain significance (0 of 4 stars; one submission).

Conditions:
CREBBP-related disorder. Also called: CREBBP-related condition; CREBBP-related disorders.

Submission:

PreventionGenetics, part of Exact Sciences
Classification: Uncertain significance for CREBBP-related condition. Last evaluated: 2024-01-18. Review status: no assertion criteria provided. Collection method: clinical testing. Allele origin: germline.
Comment: The CREBBP c.6639_6647dup9 variant is predicted to result in an in-frame duplication (p.Gln2214_Gln2216dup). To our knowledge, this variant has not been reported in the literature or in a large population database, indicating this variant is rare. At this time, the clinical significance of this variant is uncertain due to the absence of conclusive functional and genetic evidence.